The following is an entry in ClinVar:

ClinVar aggregate classification (germline): Uncertain significance (1 of 4 stars; one submission).

Allele frequency attached by ClinVar (database versions not stated): gnomAD exomes below 0.00001; gnomAD 0.00001.
gnomAD v4.1: 4 of 1,401,724 alleles (0.00029%); highest among the groups gnomAD compares: East Asian, 0.0028%; no homozygotes.

Submission:

Labcorp Genetics (formerly Invitae), Labcorp
Classification: Uncertain significance. Last evaluated: 2023-07-26. Review status: criteria provided, single submitter. Criteria: Invitae Variant Classification Sherloc (09022015). Collection method: clinical testing. Allele origin: germline.
Comment: In summary, the available evidence is currently insufficient to determine the role of this variant in disease. Therefore, it has been classified as a Variant of Uncertain Significance. Experimental studies and prediction algorithms are not available or were not evaluated, and the functional significance of this variant is currently unknown. This variant has not been reported in the literature in individuals affected with MAGEL2-related conditions. This variant is not present in population databases (gnomAD no frequency). This sequence change replaces proline, which is neutral and non-polar, with serine, which is neutral and polar, at codon 449 of the MAGEL2 protein (p.Pro449Ser).

NM_019066.5(MAGEL2):c.1345C>T (p.Pro449Ser)

Gene: MAGEL2 (MAGE family member L2; minus strand). Cytogenetic location: 15q11.2.
Variant type: single nucleotide variant.
Coding change: c.1345C>T on transcript NM_019066.5 (MANE Select); coding-DNA position 1345, C replaced by T.
Protein change: p.Pro449Ser; replaces proline 449 with serine.
Molecular consequence: missense variant.
Genome position (GRCh38, 1-based): chr15:23,646,398, G>A on the plus strand (C>T on the coding strand, the complement: MAGEL2 is on the minus strand). VCF-style: chr15-23646398-G-A. GRCh37 (hg19) VCF-style: chr15-23891545-G-A.
Other names: short protein forms P449S.
Identifiers: ClinVar variation 3011971 (VCV003011971.3), dbSNP rs1346981015, ClinGen allele CA391334377.